The following is an entry in ClinVar:

NM_024721.5(ZFHX4):c.9499CCT[6] (p.Pro3173del)

Gene: ZFHX4 (zinc finger homeobox 4; plus strand). Cytogenetic location: 8q21.13.
Variant type: Microsatellite.
Coding change: c.9499CCT[6] on transcript NM_024721.5 (MANE Select); six copies in a row of the 3-base unit CCT starting at c.9499; the reference has seven copies in a row; one copy, 3 bases deleted.
Protein change: p.Pro3173del; deletes proline 3173.
Molecular consequence: inframe deletion.
Genome position (GRCh38, 1-based): chr8:76,863,231-76,863,233, CCT deleted; deleting any 3 consecutive bases within chr8:76,863,213-76,863,233 gives the same sequence; the position shown is the placement nearest the transcript's 3' end. VCF-style (leftmost placement, unchanged base first): chr8-76863212-ACCT-A. GRCh37 (hg19) VCF-style: chr8-77775448-ACCT-A.
Other names: c.9421CCT[6], p.Pro3147del (NM_001410934.1); short protein forms P3147del, P3173del.
Identifiers: ClinVar variation 3898178 (VCV003898178.8).

ClinVar aggregate classification (germline): Likely benign. Review status: criteria provided, multiple submitters, no conflicts (2 of 4 stars). 2 submissions from 2 submitters: Likely benign (2). Last evaluated 2025-10-01.

Submissions (2):

CeGaT Center for Human Genetics Tuebingen
Classification: Likely benign. Last evaluated: 2025-10-01. Review status: criteria provided, single submitter. Criteria: CeGaT Center For Human Genetics Tuebingen Variant Classification Criteria Version 2. Collection method: clinical testing. Allele origin: germline. Affected: yes. Observed: 3 variant alleles.
Comment: ZFHX4: BS2

Blueprint Genetics
Classification: Likely benign. Last evaluated: 2024-10-02. Review status: criteria provided, single submitter. Criteria: ACMG Guidelines, 2015. Collection method: clinical testing. Allele origin: germline.